The following is an entry in ClinVar:

NM_001370466.1(NOD2):c.-8-2406T>C

Gene: NOD2 (nucleotide binding oligomerization domain containing 2; plus strand). Cytogenetic location: 16q12.1.
Variant type: single nucleotide variant.
Coding change: c.-8-2406T>C on transcript NM_001370466.1 (MANE Select); 2406 bases into the intron before 8 bases upstream of the start codon, T replaced by C.
Molecular consequence: intron variant. On other transcripts: 5 prime UTR variant (1).
Genome position (GRCh38, 1-based): chr16:50,697,082, T>C. VCF-style: chr16-50697082-T-C. GRCh37 (hg19) VCF-style: chr16-50730993-T-C.
Other names: c.-162T>C (NM_022162.3).
Identifiers: ClinVar variation 102971 (VCV000102971.2), dbSNP rs199475908, ClinGen allele CA229937.

ClinVar aggregate classification (germline): not provided (0 of 4 stars; one submission).

Allele frequency attached by ClinVar (database versions not stated): gnomAD exomes 0.00005; 1000 Genomes Project 30x 0.00047; gnomAD 0.00052 and 0.00055; TOPMed 0.00054; 1000 Genomes Project 0.00060.
gnomAD v4.1: 106 of 692,012 alleles (0.015%); highest among the groups gnomAD compares: African/African-American, 0.17%; no homozygotes.

Submission:

Human Evolutionary Genetics, Institut Pasteur
No classification provided. Review status: no classification provided. Collection method: not provided. Allele origin: germline.
ClinVar note: Converted during submission from untested to not provided.